The following is an entry in ClinVar:

ClinVar aggregate classification (germline): Conflicting classifications of pathogenicity. Review status: criteria provided, conflicting classifications (1 of 4 stars). 16 submissions from 16 submitters: Uncertain significance (5); Likely benign (8). 3 of the submissions do not count toward it. Last evaluated 2026-01-06.

Conditions:
STK11-related disorder. Also called: STK11-related condition.
Hereditary cancer. Identifiers: MedGen C1333600.
Hereditary cancer-predisposing syndrome. Also called: Tumor predisposition; Neoplastic Syndromes, Hereditary; Hereditary neoplastic syndrome; Hereditary Cancer Syndrome. Identifiers: Orphanet 140162, MedGen C0027672, MeSH D009386, MONDO:0015356.
Hereditary breast ovarian cancer syndrome. Also called: Hereditary breast and ovarian cancer syndrome; Hereditary breast and ovarian cancer; Hereditary breast and ovarian cancer syndrome (HBOC); Hereditary breast and/or ovarian cancer syndrome; BRCA1- and BRCA2-Associated Hereditary Breast and Ovarian Cancer; Breast and ovarian cancer. Identifiers: Orphanet 145, MedGen C0677776, MeSH D061325, MONDO:0003582. Disease mechanism: loss of function.
Peutz-Jeghers syndrome (PJS). Also called: Peutz-Jeghers polyposis; Periorificial lentiginosis syndrome; POLYPOSIS, HAMARTOMATOUS INTESTINAL; POLYPS-AND-SPOTS SYNDROME. Identifiers: Orphanet 2869, MedGen C0031269, MeSH D010580, MONDO:0008280, OMIM 175200.
Malignant tumor of breast. Also called: Malignant breast neoplasm; Cancer breast. Identifiers: MedGen C0006142, MONDO:0007254. Disease mechanism: loss of function.

Allele frequency attached by ClinVar (database versions not stated): gnomAD 0.00001; TOPMed 0.00002; ExAC 0.00003; gnomAD exomes 0.00003.
gnomAD v4.1: 59 of 1,606,978 alleles (0.0037%); highest among the groups gnomAD compares: East Asian, 0.009%; no homozygotes.

Submissions (16):

PreventionGenetics, part of Exact Sciences
Classification: Uncertain significance for STK11-related condition. Last evaluated: 2026-01-06. Review status: criteria provided, single submitter. Criteria: ACMG Guidelines, 2015. Collection method: clinical testing. Allele origin: germline.
Comment: The STK11 c.559G>A variant is predicted to result in the amino acid substitution p.Gly187Ser. This variant has been reported in individuals with breast cancer and lung cancer but also in multiple healthy controls (Table S6, Couch et al. 2015. PubMed ID: 25452441; Momozawa et al. 2018. PubMed ID: 30287823; Table S3, Guindalini et al. 2022. PubMed ID: 35264596; Table S2, Okawa et al. 2022. PubMed ID: 36243179; Kim et al. 2010. PubMed ID: 20082862; Breast Cancer Association Consortium et al. 2021. PubMed ID: 33471991). This variant is reported in 0.0058% of alleles in individuals of East Asian descent in gnomAD. This variant has conflicting interpretations ranging from uncertain significance to likely benign in ClinVar (Variation ID: 141815). Although we suspect that this variant may be benign, the clinical significance of this variant is classified as uncertain at this time due to insufficient functional and genetic evidence.

Labcorp Genetics (formerly Invitae), Labcorp
Classification: Likely benign for Peutz-Jeghers syndrome. Last evaluated: 2026-01-04. Review status: criteria provided, single submitter. Criteria: Invitae Variant Classification Sherloc (09022015). Collection method: clinical testing. Allele origin: germline.

German Consortium for Hereditary Breast and Ovarian Cancer, University Hospital Cologne
Classification: Likely benign for Hereditary breast ovarian cancer syndrome. Last evaluated: 2025-09-09. Review status: criteria provided, single submitter. Criteria: ACMG Guidelines, 2015. Collection method: curation. Allele origin: germline.
Comment: This classification follows the ACMG SVI adaptation classification scheme; We chose these criteria: BP4 (supporting benign): REVEL: 0.182, BS1 (supporting benign): Dorling 2021: 2/60466 cases & 9/53461 controls Flossies: 1/7325 EA (AF: 0.0001365) Momozawa 2018: female carrier frequency in cases: 0,00014 1/7051 / in controls 0,00018 2/11421 [(OR: 0,8; (p=1 / 95%Cl: 0.0-15.4)] Kim 2010: 1/179 lungCa case & 1/398 healthy control gnomAD v4 Group-Max AF: 0.00003348

Center for Genomic Medicine, Rigshospitalet, Copenhagen University Hospital
Classification: Uncertain significance. Last evaluated: 2025-03-04. Review status: criteria provided, single submitter. Criteria: ACMG Guidelines, 2015. Collection method: clinical testing. Allele origin: germline.

Color Diagnostics, LLC DBA Color Health
Classification: Likely benign for Hereditary cancer-predisposing syndrome. Last evaluated: 2024-09-19. Review status: criteria provided, single submitter. Criteria: ACMG Guidelines, 2015. Collection method: clinical testing. Allele origin: germline.

Mendelics
Classification: Likely benign for Hereditary cancer. Last evaluated: 2024-01-23. Review status: criteria provided, single submitter. Criteria: ACMG Guidelines, 2015. Collection method: clinical testing. Allele origin: unknown.

Myriad Genetics, Inc.
Classification: Uncertain significance for Peutz-Jeghers syndrome. Last evaluated: 2023-04-14. Review status: criteria provided, single submitter. Criteria: Myriad Autosomal Dominant, Autosomal Recessive and X-Linked Classification Criteria (2023). Collection method: clinical testing. Allele origin: unknown.
Comment: This variant is classified as a variant of uncertain significance as there is insufficient evidence to determine its impact on protein function and/or cancer risk.

Sema4
Classification: Likely benign for Hereditary cancer-predisposing syndrome. Last evaluated: 2021-10-20. Review status: criteria provided, single submitter. Criteria: Sema4 Curation Guidelines. Collection method: curation. Allele origin: germline.

Genome-Nilou Lab
Classification: Likely benign for Peutz-Jeghers syndrome. Last evaluated: 2021-07-15. Review status: criteria provided, single submitter. Criteria: ACMG Guidelines, 2015. Collection method: clinical testing. Allele origin: germline. Affected: no.

Quest Diagnostics Nichols Institute San Juan Capistrano
Classification: Uncertain significance. Last evaluated: 2019-12-17. Review status: criteria provided, single submitter. Criteria: Quest Diagnostics criteria. Collection method: clinical testing. Allele origin: unknown.

Women's Health and Genetics/Laboratory Corporation of America, LabCorp
Classification: Likely benign. Last evaluated: 2019-07-10. Review status: criteria provided, single submitter. Criteria: LabCorp Variant Classification Summary - May 2015. Collection method: clinical testing. Allele origin: germline.
Comment: Variant summary: STK11 c.559G>A (p.Gly187Ser) results in a non-conservative amino acid change located in the catalytic domain (IPR039154) of the encoded protein sequence. Four of five in-silico tools predict a benign effect of the variant on protein function. The variant allele was found at a frequency of 4.6e-05 in 284338 control chromosomes (gnomAD and publication data). The observed variant frequency is approximately 7 fold of the estimated maximal expected allele frequency for a pathogenic variant in STK11 causing Peutz-Jeghers Syndrome (PJS) phenotype (6.3e-06), strongly suggesting that the variant is benign. Though the variant, c.559G>A, has been reported in the literature in individuals affected with lung-, and breast cancer (Kim_2010, Couch_2015, Momozawa_ 2018), in one of these cases it was noted that the affected patient did not have any clinical manifestations of PJS (Kim_2010); moreover the variant was also reported in multiple healthy controls (Kim_2010, Momozawa_ 2018 and in the FLOSSIES database). To our knowledge, no experimental evidence demonstrating an impact on protein function has been reported. Six other submitters have provided clinical-significance assessments for this variant in ClinVar after 2014, and classified the variant as VUS (4x) or likely benign (2x). Based on the evidence outlined above, the variant was classified as likely benign.

Ambry Genetics
Classification: Likely benign for Hereditary cancer-predisposing syndrome. Last evaluated: 2018-10-30. Review status: criteria provided, single submitter. Criteria: Ambry Variant Classification Scheme 2023. Collection method: clinical testing. Allele origin: germline.

GeneDx
Classification: Uncertain significance. Last evaluated: 2017-08-27. Review status: criteria provided, single submitter. Criteria: GeneDx Variant Classification (06012015). Collection method: clinical testing. Allele origin: germline. Affected: yes.
Comment: This variant is denoted STK11 c.559G>A at the cDNA level, p.Gly187Ser (G187S) at the protein level, and results in the change of a Glycine to a Serine (GGT>AGT). This variant was observed in at least one individual with triple negative breast cancer (Couch 2015). STK11 Gly187Ser was not observed at a significant allele frequency in large population cohorts (NHLBI Exome Sequencing Project, The 1000 Genomes Consortium 2015, Lek 2016). Since Glycine and Serine differ in polarity, charge, size or other properties, this is considered a non-conservative amino acid substitution. STK11 Gly187Ser occurs at a position that is not conserved and is located in the protein kinase domain and in the region required for binding of substrate and initiation of phospho transfer (UniProt, Hearle 2006). In silico analyses predict that this variant is unlikely to alter protein structure or function. Based on currently available evidence, it is unclear whether STK11 Gly187Ser is a pathogenic or benign variant. We consider it to be a variant of uncertain significance.

Genetic Services Laboratory, University of Chicago
Classification: Uncertain significance. Last evaluated: 2022-08-29. Review status: no assertion criteria provided. Collection method: clinical testing. Allele origin: germline. Affected: no. Not counted in ClinVar's aggregate classification.
Comment: DNA sequence analysis of the STK11 gene demonstrated a sequence change, c.559G>A, in exon 4 that results in an amino acid change, p.Gly187Ser. This sequence has been previously described in individuals with breast cancer, small cell lung cancers (NSCLC) and has also been described in control population (PMIDs: 25452441, 30287823, 20082862 and FLOSSIES database). This sequence change has been described in the gnomAD database in eight individuals which corresponds to a population frequency of 0.003% (dbSNP rs587782032). The p.Gly187Ser change affects a poorly conserved amino acid residue located in a domain of the STK11 protein that is known to be functional. The p.Gly187Ser substitution appears to be benign using several in-silico pathogenicity prediction tools (SIFT, PolyPhen2, Align GVGD, REVEL). Due to insufficient evidences and the lack of functional studies, the clinical significance of the p.Gly187Ser change remains unknown at this time.

Counsyl
Classification: Uncertain significance for Peutz-Jeghers syndrome. Last evaluated: 2017-01-03. Review status: no assertion criteria provided. Collection method: clinical testing. Allele origin: unknown. Not counted in ClinVar's aggregate classification.

Department of Pathology and Laboratory Medicine, Sinai Health System
Classification: Uncertain significance for Malignant tumor of breast. Review status: no assertion criteria provided. Collection method: clinical testing. Allele origin: unknown. Affected: yes. Study: The Canadian Open Genetics Repository (COGR). Not counted in ClinVar's aggregate classification.
Comment: The STK11 p.Gly187Ser variant was identified in 3 of 10699 proband chromosomes (frequency: 0.0003) from triple negative BRCA families and Japanese women with breast cancer and was present in 2 of 11241 control chromosomes (frequency: 0.00018) from healthy individuals (Couch 2015, Momozawa 20118). The variant was also identified in dbSNP (ID: rs587782032) as â€šÃ„ÃºWith Uncertain significance alleleâ€šÃ„Ã¹, ClinVar (5x as uncertain significance and 1x as likely benign by Ambry Genetics, Invitae, GeneDx, Integrated Genetics, Counsyl, Mendelics) and LOVD 3.0 (4x as uncertain significance). The variant was identified in control databases in 7 of 233812 chromosomes at a frequency of 0.00003 (Genome Aggregation Database Feb 27, 2017). The variant was observed in the following populations: Other in 1 of 5256 chromosomes (freq: 0.0002), European Non-Finnish in 5 of 105720 chromosomes (freq: 0.00005) and East Asian in 1 of 16594 chromosomes (freq: 0.00006), while the variant was not observed in the African, Latino, Ashkenazi Jewish, European Finnish or South Asian populations. The p.Gly187 residue is not conserved in mammals and computational analyses (PolyPhen-2, SIFT, AlignGVGD, BLOSUM, MutationTaster) do not suggest a high likelihood of impact to the protein; however, this information is not predictive enough to rule out pathogenicity. The variant occurs outside of the splicing consensus sequence and 2 of 4 in silico or computational prediction software programs (SpliceSiteFinder, MaxEntScan, NNSPLICE, GeneSplicer) predict a greater than 10% difference in splicing; this is not very predictive of pathogenicity. In summary, based on the above information the clinical significance of this variant cannot be determined with certainty at this time. This variant is classified as a variant of uncertain significance.

Literature cited by the submitters: PubMed 25452441 (cited by 4 submitters); PubMed 30287823 (cited by 5 submitters); PubMed 20082862 (cited by 3 submitters); PubMed 33471991 (cited by Sema4).

NM_000455.5(STK11):c.559G>A (p.Gly187Ser)

Gene: STK11 (serine/threonine kinase 11; plus strand). Cytogenetic location: 19p13.3.
Variant type: single nucleotide variant.
Coding change: c.559G>A on transcript NM_000455.5 (MANE Select); coding-DNA position 559, G replaced by A.
Protein change: p.Gly187Ser; replaces glycine 187 with serine.
Molecular consequence: missense variant.
Genome position (GRCh38, 1-based): chr19:1,220,467, G>A. VCF-style: chr19-1220467-G-A. GRCh37 (hg19) VCF-style: chr19-1220466-G-A.
Other names: short protein forms G187S.
Identifiers: ClinVar variation 141815 (VCV000141815.41), dbSNP rs587782032, ClinGen allele CA023076.
Genomic context (GRCh38, chr19:1,220,467, plus strand): 5'-CTGCATAGCCAGGGCATTGTGCACAAGGACATCAAGCCGGGGAACCTGCTGCTCACCACC[G>A]GTGGCACCCTCAAAATCTCCGACCTGGGCGTGGCCGAGGTAGGCACGTGCTAGGGGGGGC-3'
Protein context (NP_000446.1, residues 177-197): IKPGNLLLTT[Gly187Ser]GTLKISDLGV